The following is an entry in ClinVar:

ClinVar aggregate classification (germline): Uncertain significance. Review status: criteria provided, multiple submitters, no conflicts (2 of 4 stars). 2 submissions from 2 submitters: Uncertain significance (2). Last evaluated 2025-07-01.

Conditions:
Generalized epilepsy with febrile seizures plus, type 7 (GEFSP7). Also called: GEFS+, TYPE 7. Identifiers: Orphanet 36387, MedGen C2751778, MONDO:0013470, OMIM 613863.
Neuropathy, hereditary sensory and autonomic, type 2A (HSAN2A). Also called: HSAN IIA; MORVAN DISEASE; NEUROPATHY, CONGENITAL SENSORY; NEUROPATHY, HEREDITARY SENSORY RADICULAR, AUTOSOMAL RECESSIVE; NEUROPATHY, HEREDITARY SENSORY, TYPE IIA; NEUROPATHY, PROGRESSIVE SENSORY, OF CHILDREN. Identifiers: Orphanet 970, MedGen C2752089, MONDO:0024309, OMIM 201300.

gnomAD v4.1: 1 of 1,609,014 alleles (0.000062%); highest among the groups gnomAD compares: Non-Finnish European, 0.000085%; no homozygotes.

Submissions (2):

CeGaT Center for Human Genetics Tuebingen
Classification: Uncertain significance. Last evaluated: 2025-07-01. Review status: criteria provided, single submitter. Criteria: CeGaT Center For Human Genetics Tuebingen Variant Classification Criteria Version 2. Collection method: clinical testing. Allele origin: germline. Affected: yes. Observed: 1 variant allele.
Comment: SCN9A: PM2, PS4:Moderate

Labcorp Genetics (formerly Invitae), Labcorp
Classification: Uncertain significance for Neuropathy, hereditary sensory and autonomic, type 2A; Generalized epilepsy with febrile seizures plus, type 7. Last evaluated: 2024-03-04. Review status: criteria provided, single submitter. Criteria: Invitae Variant Classification Sherloc (09022015). Collection method: clinical testing. Allele origin: germline.
Comment: This sequence change replaces asparagine, which is neutral and polar, with threonine, which is neutral and polar, at codon 336 of the SCN9A protein (p.Asn336Thr). This variant is not present in population databases (gnomAD no frequency). This missense change has been observed in individual(s) with pure small fibre neuropathy (PMID: 30554136). ClinVar contains an entry for this variant (Variation ID: 662965). Advanced modeling of protein sequence and biophysical properties (such as structural, functional, and spatial information, amino acid conservation, physicochemical variation, residue mobility, and thermodynamic stability) performed at Invitae indicates that this missense variant is not expected to disrupt SCN9A protein function with a negative predictive value of 80%. In summary, the available evidence is currently insufficient to determine the role of this variant in disease. Therefore, it has been classified as a Variant of Uncertain Significance.

Literature cited by the submitters: PubMed 30554136 (cited by Labcorp Genetics (formerly Invitae), Labcorp).

NM_001365536.1(SCN9A):c.1007A>C (p.Asn336Thr)

Genes: SCN9A (sodium voltage-gated channel alpha subunit 9; minus strand), SCN1A-AS1 (SCN1A and SCN9A antisense RNA 1; plus strand). Cytogenetic location: 2q24.3.
Variant type: single nucleotide variant.
Coding change: c.1007A>C on transcript NM_001365536.1 (MANE Select); coding-DNA position 1007, A replaced by C.
Protein change: p.Asn336Thr; replaces asparagine 336 with threonine.
Molecular consequence: missense variant.
Genome position (GRCh38, 1-based): chr2:166,293,331, T>G on the plus strand (A>C on the coding strand, the complement: SCN9A is on the minus strand). VCF-style: chr2-166293331-T-G. GRCh37 (hg19) VCF-style: chr2-167149841-T-G.
Other names: c.1007A>C, p.Asn336Thr (NM_002977.4); short protein forms N336T.
Identifiers: ClinVar variation 662965 (VCV000662965.17), dbSNP rs1574883280, ClinGen allele CA349089241.